The following is an entry in ClinVar:

NM_001999.4(FBN2):c.8364+43A>G

Gene: FBN2 (fibrillin 2; minus strand). Cytogenetic location: 5q23.3.
Variant type: single nucleotide variant.
Coding change: c.8364+43A>G on transcript NM_001999.4 (MANE Select); 43 bases into the intron after coding-DNA position 8364, A replaced by G.
Molecular consequence: intron variant.
Genome position (GRCh38, 1-based): chr5:128,261,693, T>C on the plus strand (A>G on the coding strand, the complement: FBN2 is on the minus strand). VCF-style: chr5-128261693-T-C. GRCh37 (hg19) VCF-style: chr5-127597385-T-C.
Identifiers: ClinVar variation 674545 (VCV000674545.1), dbSNP rs28763919, ClinGen allele CA3393832.

ClinVar aggregate classification (germline): Likely benign (1 of 4 stars; one submission).

Allele frequency attached by ClinVar (database versions not stated): gnomAD exomes 0.00027 and 0.00083; ExAC 0.00102; gnomAD 0.00267 and 0.00277; TOPMed 0.00296; 1000 Genomes Project 0.00359; 1000 Genomes Project 30x 0.00390; ESP Exome Variant Server 0.00408.
gnomAD v4.1: 812 of 1,596,302 alleles (0.051%); highest among the groups gnomAD compares: African/African-American, 0.95%; 3 homozygotes.

Submission:

GeneDx
Classification: Likely benign. Last evaluated: 2018-06-14. Review status: criteria provided, single submitter. Criteria: GeneDx Variant Classification (06012015). Collection method: clinical testing. Allele origin: germline. Affected: yes.
Comment: This variant is considered likely benign or benign based on one or more of the following criteria: it is a conservative change, it occurs at a poorly conserved position in the protein, it is predicted to be benign by multiple in silico algorithms, and/or has population frequency not consistent with disease.